The following is an entry in ClinVar:

NM_000548.5(TSC2):c.4850-9C>A

Gene: TSC2 (TSC complex subunit 2; plus strand). Cytogenetic location: 16p13.3.
Variant type: single nucleotide variant.
Coding change: c.4850-9C>A on transcript NM_000548.5 (MANE Select); 9 bases into the intron before coding-DNA position 4850, C replaced by A.
Molecular consequence: intron variant.
Genome position (GRCh38, 1-based): chr16:2,086,723, C>A. VCF-style: chr16-2086723-C-A. GRCh37 (hg19) VCF-style: chr16-2136724-C-A.
Other names: c.3308-9C>A (NM_001406693.1, NM_001406692.1, NM_001406694.1); c.4742-9C>A (NM_001406667.1); c.4739-9C>A (NM_001406668.1); c.4250-9C>A (NM_001406680.1); c.4181-9C>A (NM_001406683.1, NM_001406682.1); c.4049-9C>A (NM_001406687.1, NM_001406688.1); c.3437-9C>A (NM_001406689.1); c.3377-9C>A (NM_001406690.1); and 26 more.
Identifiers: ClinVar variation 3075467 (VCV003075467.3), dbSNP rs778560020, ClinGen allele CA620706058.

ClinVar aggregate classification (germline): Uncertain significance. Review status: criteria provided, multiple submitters, no conflicts (2 of 4 stars). 2 submissions from 2 submitters: Uncertain significance (2). Last evaluated 2024-03-25.

Conditions:
Tuberous sclerosis syndrome (TSC). Also called: Tuberous sclerosis; Tuberous Sclerosis Complex. Identifiers: Orphanet 805, MedGen C0041341, MONDO:0001734.
Tuberous sclerosis 2 (TSC2). Identifiers: Orphanet 805, MedGen C1860707, MONDO:0013199, OMIM 613254.

Submissions (2):

Labcorp Genetics (formerly Invitae), Labcorp
Classification: Uncertain significance for Tuberous sclerosis 2. Last evaluated: 2024-03-25. Review status: criteria provided, single submitter. Criteria: Invitae Variant Classification Sherloc (09022015). Collection method: clinical testing. Allele origin: germline.
Comment: This sequence change falls in intron 37 of the TSC2 gene. It does not directly change the encoded amino acid sequence of the TSC2 protein. The frequency data for this variant in the population databases is considered unreliable, as metrics indicate poor data quality at this position in the gnomAD database. This variant has not been reported in the literature in individuals affected with TSC2-related conditions. Algorithms developed to predict the effect of sequence changes on RNA splicing suggest that this variant may create or strengthen a splice site. In summary, the available evidence is currently insufficient to determine the role of this variant in disease. Therefore, it has been classified as a Variant of Uncertain Significance.

All of Us Research Program, National Institutes of Health
Classification: Uncertain significance for Tuberous sclerosis syndrome. Last evaluated: 2024-02-05. Review status: criteria provided, single submitter. Criteria: ACMG Guidelines, 2015. Collection method: clinical testing. Allele origin: germline. Inheritance: Autosomal dominant inheritance. Observed: 1 variant allele, 1 heterozygote.
Comment: This variant causes a C to A nucleotide substitution at the -9 position of intron 37/41 of the TSC2 gene. To our knowledge, RNA studies have not been reported for this variant. This variant has not been reported in individuals affected with TSC2-related disorders in the literature. This variant has been identified in 1/248230 chromosomes in the general population by the Genome Aggregation Database (gnomAD). The available evidence is insufficient to determine the role of this variant in disease conclusively. Therefore, this variant is classified as a Variant of Uncertain Significance.

This study involves interpretation of variants in research participants for the purpose of population health screening. Participant phenotype was not available at the time of variant classification. Additional details can be found in publication PMID: 35346344, PMCID: PMC8962531